The following is an entry in ClinVar:

NM_004415.4(DSP):c.3439C>T (p.Gln1147Ter)

Gene: DSP (desmoplakin; plus strand). Cytogenetic location: 6p24.3.
Variant type: single nucleotide variant.
Coding change: c.3439C>T on transcript NM_004415.4 (MANE Select); coding-DNA position 3439, C replaced by T.
Protein change: p.Gln1147Ter; replaces glutamine 1147 with a stop codon.
Molecular consequence: nonsense.
Genome position (GRCh38, 1-based): chr6:7,579,629, C>T. VCF-style: chr6-7579629-C-T. GRCh37 (hg19) VCF-style: chr6-7579862-C-T.
Other names: c.3439C>T, p.Gln1147Ter (NM_001008844.3, NM_001319034.2); short protein forms Q1147*.
Identifiers: ClinVar variation 1457032 (VCV001457032.6), dbSNP rs2113691766, ClinGen allele CA362684056.
Genomic context (GRCh38, chr6:7,579,629, plus strand): 5'-TCTGTGGAAGACAGATTTGACCAACAGAAGAATGACTATGACCAACTGCAGAAAGCAAGG[C>T]AATGTGAAAAGGAGAACCTTGGTTGGCAGAAATTAGAGTCTGAGAAAGCCATCAAGGAGA-3'

ClinVar aggregate classification (germline): Pathogenic (1 of 4 stars; one submission).

Conditions:
Arrhythmogenic right ventricular dysplasia 8 (ARVD8). Also called: Arrhythmogenic Right Ventricular Dysplasia/Cardiomyopathy 8; ARRHYTHMOGENIC RIGHT VENTRICULAR DYSPLASIA, FAMILIAL, 8; ARRHYTHMOGENIC RIGHT VENTRICULAR CARDIOMYOPATHY 8. Identifiers: MedGen C1843896, MONDO:0011831, OMIM 607450.
Arrhythmogenic cardiomyopathy with wooly hair and keratoderma. Also called: Arrhythmogenic cardiomyopathy with woolly hair and keratoderma; PALMOPLANTAR KERATODERMA WITH LEFT VENTRICULAR CARDIOMYOPATHY AND WOOLLY HAIR; Carvajal syndrome; Dilated cardiomyopathy with woolly hair and keratoderma. Identifiers: Orphanet 65282, MedGen C1854063, MONDO:0011581, OMIM 605676.

Submission:

Labcorp Genetics (formerly Invitae), Labcorp
Classification: Pathogenic for Arrhythmogenic cardiomyopathy with wooly hair and keratoderma; Arrhythmogenic right ventricular dysplasia 8. Last evaluated: 2021-05-31. Review status: criteria provided, single submitter. Criteria: Invitae Variant Classification Sherloc (09022015). Collection method: clinical testing. Allele origin: germline.
Comment: This sequence change creates a premature translational stop signal (p.Gln1147*) in the DSP gene. It is expected to result in an absent or disrupted protein product. Loss-of-function variants in DSP are known to be pathogenic (PMID: 20716751, 24503780, 25227139). For these reasons, this variant has been classified as Pathogenic. Algorithms developed to predict the effect of sequence changes on RNA splicing suggest that this variant may create or strengthen a splice site, but this prediction has not been confirmed by published transcriptional studies. This variant has not been reported in the literature in individuals with DSP-related conditions. This variant is not present in population databases (ExAC no frequency).

Literature cited by the submitters: PubMed 20716751; PubMed 24503780; PubMed 25227139.